The following is an entry in ClinVar:

NM_002863.5(PYGL):c.592A>C (p.Met198Leu)

Gene: PYGL (glycogen phosphorylase L; minus strand). Cytogenetic location: 14q22.1.
Variant type: single nucleotide variant.
Coding change: c.592A>C on transcript NM_002863.5 (MANE Select); coding-DNA position 592, A replaced by C.
Protein change: p.Met198Leu; replaces methionine 198 with leucine.
Molecular consequence: missense variant.
Genome position (GRCh38, 1-based): chr14:50,924,037, T>G on the plus strand (A>C on the coding strand, the complement: PYGL is on the minus strand). VCF-style: chr14-50924037-T-G. GRCh37 (hg19) VCF-style: chr14-51390755-T-G.
Other names: c.490A>C, p.Met164Leu (NM_001163940.2); short protein forms M198L, M164L.
Identifiers: ClinVar variation 2835449 (VCV002835449.3), dbSNP rs372796851, ClinGen allele CA389693303.
Genomic context (GRCh38, chr14:50,924,037, plus strand): 5'-CAATCCACTTGGTCCCGGTGTTGGTGTGTTCTACTTTTCCATAGAAGTGCACAGGCAGCA[T>G]GAATTCTGGGCGGGACTTCTCCCAAGGGTTTCCATATCTGAGCCAATCATCTGCTTCTTC-3'
Protein context (NP_002854.3, residues 188-208): NPWEKSRPEF[Met198Leu]LPVHFYGKVE

ClinVar aggregate classification (germline): Uncertain significance (1 of 4 stars; one submission).

Conditions:
Glycogen storage disease, type VI (GSD6). Also called: Glycogen storage disease type 6, due to phosphorylation; GSD VI; Glycogen storage disease type 6; Hepatic glycogen phosphorylase deficiency; HERS DISEASE; PHOSPHORYLASE DEFICIENCY GLYCOGEN-STORAGE DISEASE OF LIVER. Identifiers: Orphanet 369, MedGen C0017925, MONDO:0009294, OMIM 232700.

Submission:

Labcorp Genetics (formerly Invitae), Labcorp
Classification: Uncertain significance for Glycogen storage disease, type VI. Last evaluated: 2026-01-12. Review status: criteria provided, single submitter. Criteria: Invitae Variant Classification Sherloc (09022015). Collection method: clinical testing. Allele origin: germline.
Comment: This sequence change replaces methionine, which is neutral and non-polar, with leucine, which is neutral and non-polar, at codon 198 of the PYGL protein (p.Met198Leu). This variant is not present in population databases (gnomAD no frequency). This variant has not been reported in the literature in individuals affected with PYGL-related conditions. ClinVar contains an entry for this variant (Variation ID: 2835449). Invitae Evidence Modeling of protein sequence and biophysical properties (such as structural, functional, and spatial information, amino acid conservation, physicochemical variation, residue mobility, and thermodynamic stability) indicates that this missense variant is not expected to disrupt PYGL protein function with a negative predictive value of 80%. In summary, the available evidence is currently insufficient to determine the role of this variant in disease. Therefore, it has been classified as a Variant of Uncertain Significance.